The following is an entry in ClinVar:

NM_133261.3(GIPC3):c.207C>T (p.Phe69=)

Gene: GIPC3 (GIPC PDZ domain containing family member 3; plus strand). Cytogenetic location: 19p13.3.
Variant type: single nucleotide variant.
Coding change: c.207C>T on transcript NM_133261.3 (MANE Select); coding-DNA position 207, C replaced by T.
Protein change: p.Phe69=; no amino-acid change (phenylalanine 69 retained).
Molecular consequence: synonymous variant.
Genome position (GRCh38, 1-based): chr19:3,585,804, C>T. VCF-style: chr19-3585804-C-T. GRCh37 (hg19) VCF-style: chr19-3585802-C-T.
Identifiers: ClinVar variation 179131 (VCV000179131.15), dbSNP rs727504653, ClinGen allele CA183785.

ClinVar aggregate classification (germline): Benign/Likely benign. Review status: criteria provided, multiple submitters, no conflicts (2 of 4 stars). 5 submissions from 5 submitters: Benign (2); Likely benign (2). 1 of the submissions does not count toward it. Last evaluated 2025-10-29.

Conditions:
GIPC3-related disorder. Also called: GIPC3-related condition.

Allele frequency attached by ClinVar (database versions not stated): gnomAD exomes 0.00046 and 0.00119; gnomAD 0.00059 and 0.00060; TOPMed 0.00062; ExAC 0.00289.
gnomAD v4.1: 791 of 1,546,174 alleles (0.051%); highest among the groups gnomAD compares: Non-Finnish European, 0.016%; 10 homozygotes.

Submissions (5):

Labcorp Genetics (formerly Invitae), Labcorp
Classification: Benign. Last evaluated: 2025-10-29. Review status: criteria provided, single submitter. Criteria: Invitae Variant Classification Sherloc (09022015). Collection method: clinical testing. Allele origin: germline.

Blueprint Genetics
Classification: Likely benign. Last evaluated: 2024-08-15. Review status: criteria provided, single submitter. Criteria: ACMG Guidelines, 2015. Collection method: clinical testing. Allele origin: germline.

GeneDx
Classification: Benign. Last evaluated: 2020-02-20. Review status: criteria provided, single submitter. Criteria: GeneDx Variant Classification Process June 2021. Collection method: clinical testing. Allele origin: germline. Affected: yes.

Laboratory for Molecular Medicine, Mass General Brigham Personalized Medicine
Classification: Likely benign. Last evaluated: 2013-07-17. Review status: criteria provided, single submitter. Criteria: LMM Criteria. Collection method: clinical testing. Allele origin: germline. Observed: 2 variant alleles.
Comment: Phe69Phe in Exon 1 of GIPC3: This variant is not expected to have clinical sign ificance because it does not alter an amino acid residue and it is not located w ithin the splice consensus sequence.

PreventionGenetics, part of Exact Sciences
Classification: Benign for GIPC3-related condition. Last evaluated: 2024-09-26. Review status: no assertion criteria provided. Collection method: clinical testing. Allele origin: germline. Not counted in ClinVar's aggregate classification.
Comment: This variant is classified as benign based on ACMG/AMP sequence variant interpretation guidelines (Richards et al. 2015 PMID: 25741868, with internal and published modifications).